The following is an entry in ClinVar:

ClinVar aggregate classification (germline): Uncertain significance (1 of 4 stars; one submission).

Submission:

Ambry Genetics
Classification: Uncertain significance. Last evaluated: 2022-09-25. Review status: criteria provided, single submitter. Criteria: Ambry Variant Classification Scheme 2023. Collection method: clinical testing. Allele origin: germline.
Comment: The p.E313G variant (also known as c.938A>G), located in coding exon 3 of the ALPK2 gene, results from an A to G substitution at nucleotide position 938. The glutamic acid at codon 313 is replaced by glycine, an amino acid with similar properties. This amino acid position is conserved. In addition, this alteration is predicted to be tolerated by in silico analysis. Since supporting evidence is limited at this time, the clinical significance of this alteration remains unclear.

NM_052947.4(ALPK2):c.938A>G (p.Glu313Gly)

Genes: ALPK2 (alpha kinase 2; minus strand), LOC114803473 (ALPK2 eExon liver enhancer; plus strand). Cytogenetic location: 18q21.31.
Variant type: single nucleotide variant.
Coding change: c.938A>G on transcript NM_052947.4 (MANE Select); coding-DNA position 938, A replaced by G.
Protein change: p.Glu313Gly; replaces glutamic acid 313 with glycine.
Molecular consequence: missense variant.
Genome position (GRCh38, 1-based): chr18:58,579,838, T>C on the plus strand (A>G on the coding strand, the complement: ALPK2 is on the minus strand). VCF-style: chr18-58579838-T-C. GRCh37 (hg19) VCF-style: chr18-56247070-T-C.
Other names: short protein forms E313G.
Identifiers: ClinVar variation 1766758 (VCV001766758.2), dbSNP rs2518899665, ClinGen allele CA402566683.